The following is an entry in ClinVar:

ClinVar aggregate classification (germline): Pathogenic. Review status: criteria provided, multiple submitters, no conflicts (2 of 4 stars). 4 submissions from 4 submitters: Pathogenic (3). 1 of the submissions does not count toward it. Last evaluated 2025-04-16.

Conditions:
EAST syndrome (SESAMES). Also called: SEIZURES, SENSORINEURAL DEAFNESS, ATAXIA, IMPAIRED INTELLECTUAL DEVELOPMENT, AND ELECTROLYTE IMBALANCE. Identifiers: Orphanet 199343, MedGen C2748572, MONDO:0013005, OMIM 612780.
Autosomal recessive nonsyndromic hearing loss 4 (DFNB4). Also called: Nonsyndromic enlarged vestibular aqueduct (NSEVA); NEUROSENSORY NONSYNDROMIC RECESSIVE DEAFNESS 4; Deafness, autosomal recessive 4, with enlarged vestibular aqueduct; Deafness, autosomal recessive 4; Enlarged vestibular aqueduct, digenic; FOXI1-Related Pendred Syndrome. Identifiers: Orphanet 90636, MedGen C3538946, MONDO:0010933, OMIM 600791.
Pendred syndrome (PDS). Also called: THYROID DYSHORMONOGENESIS 2B; THYROID HORMONOGENESIS, GENETIC DEFECT IN, 2B; DEAFNESS WITH GOITER; GOITER-DEAFNESS SYNDROME; HYPOTHYROIDISM, CONGENITAL, DUE TO DYSHORMONOGENESIS, 2B; Pendred's syndrome. Identifiers: Orphanet 705, MedGen C0271829, MONDO:0010134, OMIM 274600.

Allele frequency attached by ClinVar (database versions not stated): TOPMed below 0.00001; gnomAD 0.00001; gnomAD exomes 0.00001 and 0.00002.
gnomAD v4.1: 27 of 1,560,654 alleles (0.0017%); highest among the groups gnomAD compares: East Asian, 0.0022%; no homozygotes.

Submissions (4):

GeneDx
Classification: Pathogenic. Last evaluated: 2025-04-16. Review status: criteria provided, single submitter. Criteria: GeneDx Variant Classification Process June 2021. Collection method: clinical testing. Allele origin: germline. Affected: yes.
Comment: Published functional studies demonstrate a damaging effect resulting in a partial loss of KCNJ10 function (PMID: 20678478, 26867573); Not observed at significant frequency in large population cohorts (gnomAD); In silico analysis indicates that this missense variant does not alter protein structure/function; This variant is associated with the following publications: (PMID: 20807765, 30356026, 29722316, 33424762, 34713909, 27129733, 21088294, 34638578, 24561201, 26867573, 26862828, 27500072, 21221631, 28747464, 33996354, 29666984, 32062759, 28835827, 21849804, 28520217, 24014171, 31731488, 30952461, 29722015, 19289823, 24193250, 20678478)

Labcorp Genetics (formerly Invitae), Labcorp
Classification: Pathogenic for EAST syndrome. Last evaluated: 2024-11-13. Review status: criteria provided, single submitter. Criteria: Invitae Variant Classification Sherloc (09022015). Collection method: clinical testing. Allele origin: germline.
Comment: This sequence change replaces alanine, which is neutral and non-polar, with valine, which is neutral and non-polar, at codon 167 of the KCNJ10 protein (p.Ala167Val). This variant is present in population databases (rs137853070, gnomAD 0.005%). This missense change has been observed in individual(s) with SeSAME syndrome (PMID: 19289823, 24193250). In at least one individual the data is consistent with being in trans (on the opposite chromosome) from a pathogenic variant. It has also been observed to segregate with disease in related individuals. ClinVar contains an entry for this variant (Variation ID: 7466). Invitae Evidence Modeling of protein sequence and biophysical properties (such as structural, functional, and spatial information, amino acid conservation, physicochemical variation, residue mobility, and thermodynamic stability) has been performed for this missense variant. However, the output from this modeling did not meet the statistical confidence thresholds required to predict the impact of this variant on KCNJ10 protein function. Experimental studies have shown that this missense change affects KCNJ10 function (PMID: 20678478, 20807765, 21088294, 24561201). For these reasons, this variant has been classified as Pathogenic.

Fulgent Genetics
Classification: Pathogenic for Pendred syndrome; Autosomal recessive nonsyndromic hearing loss 4; EAST syndrome. Last evaluated: 2022-04-27. Review status: criteria provided, single submitter. Criteria: ACMG Guidelines, 2015. Collection method: clinical testing. Allele origin: unknown.

OMIM
Classification: Pathogenic for SEIZURES, SENSORINEURAL DEAFNESS, ATAXIA, IMPAIRED INTELLECTUAL DEVELOPMENT, AND ELECTROLYTE IMBALANCE. Last evaluated: 2010-11-12. Review status: no assertion criteria provided. Collection method: literature only. Allele origin: germline. Not counted in ClinVar's aggregate classification.

Literature cited by the submitters: PubMed 19289823 (cited by Labcorp Genetics (formerly Invitae), Labcorp and OMIM); PubMed 24193250 (cited by Labcorp Genetics (formerly Invitae), Labcorp); PubMed 20678478 (cited by Labcorp Genetics (formerly Invitae), Labcorp); PubMed 20807765 (cited by Labcorp Genetics (formerly Invitae), Labcorp and OMIM); PubMed 21088294 (cited by Labcorp Genetics (formerly Invitae), Labcorp); PubMed 24561201 (cited by Labcorp Genetics (formerly Invitae), Labcorp).

NM_002241.5(KCNJ10):c.500C>T (p.Ala167Val)

Gene: KCNJ10 (potassium inwardly rectifying channel subfamily J member 10; minus strand). Cytogenetic location: 1q23.2.
Variant type: single nucleotide variant.
Coding change: c.500C>T on transcript NM_002241.5 (MANE Select); coding-DNA position 500, C replaced by T.
Protein change: p.Ala167Val; replaces alanine 167 with valine.
Molecular consequence: missense variant.
Genome position (GRCh38, 1-based): chr1:160,042,033, G>A on the plus strand (C>T on the coding strand, the complement: KCNJ10 is on the minus strand). VCF-style: chr1-160042033-G-A. GRCh37 (hg19) VCF-style: chr1-160011823-G-A.
Other names: short protein forms A167V.
Identifiers: ClinVar variation 7466 (VCV000007466.16), dbSNP rs137853070, ClinGen allele CA118812.